The following is an entry in ClinVar:

NM_000349.3(STAR):c.157C>G (p.Arg53Gly)

Gene: STAR (steroidogenic acute regulatory protein; minus strand). Cytogenetic location: 8p11.23.
Variant type: single nucleotide variant.
Coding change: c.157C>G on transcript NM_000349.3 (MANE Select); coding-DNA position 157, C replaced by G.
Protein change: p.Arg53Gly; replaces arginine 53 with glycine.
Molecular consequence: missense variant.
Genome position (GRCh38, 1-based): chr8:38,148,662, G>C on the plus strand (C>G on the coding strand, the complement: STAR is on the minus strand). VCF-style: chr8-38148662-G-C. GRCh37 (hg19) VCF-style: chr8-38006180-G-C.
Other names: short protein forms R53G.
Identifiers: ClinVar variation 911473 (VCV000911473.7), dbSNP rs550388651, ClinGen allele CA4715344.
Genomic context (GRCh38, chr8:38,148,662, plus strand): 5'-TGCCAGCAGCACCAGGAGCCCAGAAGCCTCAGCACTTACCGAGTAGAGAGCTCCGCCGCC[G>C]AACCTGGTTAATCCACGTGCTAGGGGTGGGGCCCCCCAGGGCCCTCCGGTTCAGCTCCTG-3'
Protein context (NP_000340.2, residues 43-63): PTPSTWINQV[Arg53Gly]RRSSLLGSRL

ClinVar aggregate classification (germline): Uncertain significance. Review status: criteria provided, multiple submitters, no conflicts (2 of 4 stars). 3 submissions from 3 submitters: Uncertain significance (3). Last evaluated 2024-03-21.

Conditions:
Congenital lipoid adrenal hyperplasia due to STAR deficency. Also called: Congenital Lipoid Adrenal Hyperplasia; Lipoid adrenal hyperplasia; Cholesterol monooxygenase (side-chain cleaving) deficiency; ADRENAL HYPERPLASIA I. Identifiers: Orphanet 418, Orphanet 90790, MedGen C0342474, MONDO:0008725, OMIM 201710.

Allele frequency attached by ClinVar (database versions not stated): TOPMed 0.00005; ExAC 0.00007; 1000 Genomes Project 0.00020; 1000 Genomes Project 30x 0.00031.
gnomAD v4.1: 98 of 1,614,102 alleles (0.0061%); highest among the groups gnomAD compares: Admixed American, 0.032%; no homozygotes.

Submissions (3):

Fulgent Genetics
Classification: Uncertain significance for Congenital lipoid adrenal hyperplasia due to STAR deficency. Last evaluated: 2024-03-21. Review status: criteria provided, single submitter. Criteria: ACMG Guidelines, 2015. Collection method: clinical testing. Allele origin: germline.

Labcorp Genetics (formerly Invitae), Labcorp
Classification: Uncertain significance. Last evaluated: 2021-11-13. Review status: criteria provided, single submitter. Criteria: Invitae Variant Classification Sherloc (09022015). Collection method: clinical testing. Allele origin: germline.
Comment: This sequence change replaces arginine, which is basic and polar, with glycine, which is neutral and non-polar, at codon 53 of the STAR protein (p.Arg53Gly). This variant is present in population databases (rs550388651, gnomAD 0.04%). This variant has not been reported in the literature in individuals affected with STAR-related conditions. ClinVar contains an entry for this variant (Variation ID: 911473). Algorithms developed to predict the effect of missense changes on protein structure and function (SIFT, PolyPhen-2, Align-GVGD) all suggest that this variant is likely to be tolerated. In summary, the available evidence is currently insufficient to determine the role of this variant in disease. Therefore, it has been classified as a Variant of Uncertain Significance.

Illumina Laboratory Services, Illumina
Classification: Uncertain significance for Congenital lipoid adrenal hyperplasia due to STAR deficency. Last evaluated: 2018-01-13. Review status: criteria provided, single submitter. Criteria: ICSL Variant Classification Criteria 13 December 2019. Collection method: clinical testing. Allele origin: germline.